The following is an entry in ClinVar:

ClinVar aggregate classification (germline): Benign/Likely benign. Review status: criteria provided, multiple submitters, no conflicts (2 of 4 stars). 2 submissions from 2 submitters: Benign (1); Likely benign (1). Last evaluated 2026-02-02.

Conditions:
Spastic ataxia 2. Also called: Ataxia, spastic, 2, autosomal recessive. Identifiers: Orphanet 397946, MedGen C1969796, MONDO:0012651, OMIM 611302.

Allele frequency attached by ClinVar (database versions not stated): 1000 Genomes Project 0.00200; ESP Exome Variant Server 0.00923.
gnomAD v4.1: 16,224 of 1,575,670 alleles (1%); highest among the groups gnomAD compares: Non-Finnish European, 1.3%; 111 homozygotes.

Submissions (2):

Labcorp Genetics (formerly Invitae), Labcorp
Classification: Benign for Spastic ataxia 2. Last evaluated: 2026-02-02. Review status: criteria provided, single submitter. Criteria: Invitae Variant Classification Sherloc (09022015). Collection method: clinical testing. Allele origin: germline.

GeneDx
Classification: Likely benign. Last evaluated: 2018-05-09. Review status: criteria provided, single submitter. Criteria: GeneDx Variant Classification (06012015). Collection method: clinical testing. Allele origin: germline. Affected: yes.
Comment: This variant is considered likely benign or benign based on one or more of the following criteria: it is a conservative change, it occurs at a poorly conserved position in the protein, it is predicted to be benign by multiple in silico algorithms, and/or has population frequency not consistent with disease.

NM_006612.6(KIF1C):c.720+18C>A

Gene: KIF1C (kinesin family member 1C; plus strand). Cytogenetic location: 17p13.2.
Variant type: single nucleotide variant.
Coding change: c.720+18C>A on transcript NM_006612.6 (MANE Select); 18 bases into the intron after coding-DNA position 720, C replaced by A.
Molecular consequence: intron variant.
Genome position (GRCh38, 1-based): chr17:5,002,860, C>A. VCF-style: chr17-5002860-C-A. GRCh37 (hg19) VCF-style: chr17-4906155-C-A.
Identifiers: ClinVar variation 679583 (VCV000679583.10), dbSNP rs201947256, ClinGen allele CA8318672.